The following is an entry in ClinVar:

NM_006015.6(ARID1A):c.2150C>T (p.Ala717Val)

Gene: ARID1A (AT-rich interaction domain 1A; plus strand). Cytogenetic location: 1p36.11.
Variant type: single nucleotide variant.
Coding change: c.2150C>T on transcript NM_006015.6 (MANE Select); coding-DNA position 2150, C replaced by T.
Protein change: p.Ala717Val; replaces alanine 717 with valine.
Molecular consequence: missense variant.
Genome position (GRCh38, 1-based): chr1:26,761,085, C>T. VCF-style: chr1-26761085-C-T. GRCh37 (hg19) VCF-style: chr1-27087576-C-T.
Other names: c.2150C>T, p.Ala717Val (NM_139135.4); short protein forms A717V.
Identifiers: ClinVar variation 3061573 (VCV003061573.4), dbSNP rs894707962, ClinGen allele CA19796971.
Genomic context (GRCh38, chr1:26,761,085, plus strand): 5'-CGTCCCCTGTTGGCTCTCCCGCCAGTGTTGCTCAGTCTCGCTCAGGACCACTCTCGCCTG[C>T]TGCAGTGCCAGGTACCCTCAAGTGCTGGGCTTTAGGGAGAGGGAAAGGTGACTGCCCCCA-3'
Protein context (NP_006006.3, residues 707-727): AQSRSGPLSP[Ala717Val]AVPGNQMPPR

ClinVar aggregate classification (germline): Uncertain significance. Review status: criteria provided, single submitter (1 of 4 stars). 2 submissions from 2 submitters: Uncertain significance (1). 1 of the submissions does not count toward it. Last evaluated 2024-06-26.

Conditions:
ARID1A-related disorder. Also called: ARID1A-related condition.

Allele frequency attached by ClinVar (database versions not stated): gnomAD 0.00001; TOPMed 0.00001.
gnomAD v4.1: 1 of 1,613,980 alleles (0.000062%); highest among the groups gnomAD compares: African/African-American, 0.0013%; no homozygotes.

Submissions (2):

Labcorp Genetics (formerly Invitae), Labcorp
Classification: Uncertain significance. Last evaluated: 2024-06-26. Review status: criteria provided, single submitter. Criteria: Invitae Variant Classification Sherloc (09022015). Collection method: clinical testing. Allele origin: germline.
Comment: This sequence change replaces alanine, which is neutral and non-polar, with valine, which is neutral and non-polar, at codon 717 of the ARID1A protein (p.Ala717Val). This variant is not present in population databases (gnomAD no frequency). This variant has not been reported in the literature in individuals affected with ARID1A-related conditions. Advanced modeling of protein sequence and biophysical properties (such as structural, functional, and spatial information, amino acid conservation, physicochemical variation, residue mobility, and thermodynamic stability) performed at Invitae indicates that this missense variant is not expected to disrupt ARID1A protein function with a negative predictive value of 80%. In summary, the available evidence is currently insufficient to determine the role of this variant in disease. Therefore, it has been classified as a Variant of Uncertain Significance.

PreventionGenetics, part of Exact Sciences
Classification: Uncertain significance for ARID1A-related condition. Last evaluated: 2023-12-21. Review status: no assertion criteria provided. Collection method: clinical testing. Allele origin: germline. Not counted in ClinVar's aggregate classification.
Comment: The ARID1A c.2150C>T variant is predicted to result in the amino acid substitution p.Ala717Val. To our knowledge, this variant has not been reported in the literature or in a large population database, indicating this variant is rare. At this time, the clinical significance of this variant is uncertain due to the absence of conclusive functional and genetic evidence.